The following is an entry in ClinVar:

ClinVar aggregate classification (germline): Pathogenic/Likely pathogenic. Review status: criteria provided, multiple submitters, no conflicts (2 of 4 stars). 2 submissions from 2 submitters: Pathogenic (1); Likely pathogenic (1). Last evaluated 2025-09-16.

Conditions:
Neurofibromatosis, type 1 (NF1). Also called: VON RECKLINGHAUSEN DISEASE; Neurofibromatosis, type I; NEUROFIBROMATOSIS, TYPE I, SOMATIC; Peripheral type neurofibromatosis. Identifiers: Orphanet 636, MedGen C0027831, MONDO:0018975, OMIM 162200. Disease mechanism: loss of function.

Submissions (2):

Dasa
Classification: Likely pathogenic. Last evaluated: 2025-09-16. Review status: criteria provided, single submitter. Criteria: DASA Assertion Criteria. Collection method: clinical testing. Allele origin: germline.
Comment: NM_001042492.3(NF1):c.1883del (p.Tyr628Serfs*3) introduces a premature termination codon predicted to result in loss of normal protein function. Loss-of-function is an established mechanism of disease for this gene. Based on the available data, this variant is classified as likely pathogenic.

Labcorp Genetics (formerly Invitae), Labcorp
Classification: Pathogenic for Neurofibromatosis, type 1. Last evaluated: 2022-08-22. Review status: criteria provided, single submitter. Criteria: Invitae Variant Classification Sherloc (09022015). Collection method: clinical testing. Allele origin: germline.
Comment: For these reasons, this variant has been classified as Pathogenic. This variant has not been reported in the literature in individuals affected with NF1-related conditions. This variant is not present in population databases (gnomAD no frequency). This sequence change creates a premature translational stop signal (p.Tyr628Serfs*3) in the NF1 gene. It is expected to result in an absent or disrupted protein product. Loss-of-function variants in NF1 are known to be pathogenic (PMID: 10712197, 23913538).

Literature cited by the submitters: PubMed 10712197 (cited by Labcorp Genetics (formerly Invitae), Labcorp); PubMed 23913538 (cited by Labcorp Genetics (formerly Invitae), Labcorp).

NM_001042492.3(NF1):c.1883del (p.Tyr628fs)

Gene: NF1 (neurofibromin 1; plus strand). Cytogenetic location: 17q11.2.
Variant type: Deletion.
Coding change: c.1883del on transcript NM_001042492.3 (MANE Select); coding-DNA position 1883, one base deleted (A; older notation c.1883delA).
Protein change: p.Tyr628fs; shifts the reading frame from tyrosine 628.
Molecular consequence: frameshift variant.
Genome position (GRCh38, 1-based): chr17:31,225,132, A deleted. VCF-style (leftmost placement, unchanged base first): chr17-31225131-TA-T. GRCh37 (hg19) VCF-style: chr17-29552149-TA-T.
Other names: c.1883delA, p.Tyr628Serfs (NM_000267.4); short protein forms Y628fs.
Identifiers: ClinVar variation 2023937 (VCV002023937.5), dbSNP rs2508140688, ClinGen allele CA2580092889.